The following is an entry in ClinVar:

ClinVar aggregate classification (germline): Likely benign. Review status: criteria provided, multiple submitters, no conflicts (2 of 4 stars). 6 submissions from 3 submitters: Likely benign (6). Last evaluated 2023-10-13.

Conditions:
Hypokalemic periodic paralysis, type 1. Also called: HypoPP; Hypokalemic Periodic Paralysis Type 1 (AD). Identifiers: Orphanet 681, MedGen C3714580, MONDO:0042979, OMIM 170400.
Malignant hyperthermia, susceptibility to, 5 (MHS5). Also called: CACNA1S-Related Malignant Hyperthermia Susceptibility. Identifiers: Orphanet 423, MedGen C1866077, MONDO:0011163, OMIM 601887.
Congenital myopathy 18. Also called: Myopathy, congenital, due to dihydropyridine receptor defect; DIHYDROPYRIDINE RECEPTOR CONGENITAL MYOPATHY; DHPR CONGENITAL MYOPATHY. Identifiers: MedGen C5830283, MONDO:0859514, OMIM 620246.
Thyrotoxic periodic paralysis, susceptibility to, 1 (TTPP1). Identifiers: Orphanet 79102, MedGen C2749982, MONDO:0008570, OMIM 188580.

Allele frequency attached by ClinVar (database versions not stated): gnomAD 0.00001; gnomAD exomes 0.00002 and 0.00003; ExAC 0.00005.
gnomAD v4.1: 26 of 1,611,980 alleles (0.0016%); highest among the groups gnomAD compares: Non-Finnish European, 0.0022%; no homozygotes.

Submissions (6):

Labcorp Genetics (formerly Invitae), Labcorp
Classification: Likely benign for Hypokalemic periodic paralysis, type 1; Malignant hyperthermia, susceptibility to, 5. Last evaluated: 2023-10-13. Review status: criteria provided, single submitter. Criteria: Invitae Variant Classification Sherloc (09022015). Collection method: clinical testing. Allele origin: germline.

Genome-Nilou Lab
Classification: Likely benign for Malignant hyperthermia, susceptibility to, 5. Last evaluated: 2023-04-11. Review status: criteria provided, single submitter. Criteria: ACMG Guidelines, 2015. Collection method: clinical testing. Allele origin: germline. Affected: no.

Genome-Nilou Lab
Classification: Likely benign for Thyrotoxic periodic paralysis, susceptibility to, 1. Last evaluated: 2023-04-11. Review status: criteria provided, single submitter. Criteria: ACMG Guidelines, 2015. Collection method: clinical testing. Allele origin: germline. Affected: no.

Genome-Nilou Lab
Classification: Likely benign for Congenital myopathy 18. Last evaluated: 2023-04-11. Review status: criteria provided, single submitter. Criteria: ACMG Guidelines, 2015. Collection method: clinical testing. Allele origin: germline. Affected: no.

Genome-Nilou Lab
Classification: Likely benign for Hypokalemic periodic paralysis, type 1. Last evaluated: 2023-04-11. Review status: criteria provided, single submitter. Criteria: ACMG Guidelines, 2015. Collection method: clinical testing. Allele origin: germline. Affected: no.

GeneDx
Classification: Likely benign. Last evaluated: 2018-04-11. Review status: criteria provided, single submitter. Criteria: GeneDx Variant Classification (06012015). Collection method: clinical testing. Allele origin: germline. Affected: yes.
Comment: This variant is considered likely benign or benign based on one or more of the following criteria: it is a conservative change, it occurs at a poorly conserved position in the protein, it is predicted to be benign by multiple in silico algorithms, and/or has population frequency not consistent with disease.

NM_000069.3(CACNA1S):c.2907-16G>A

Gene: CACNA1S (calcium voltage-gated channel subunit alpha1 S; minus strand). Cytogenetic location: 1q32.1.
Variant type: single nucleotide variant.
Coding change: c.2907-16G>A on transcript NM_000069.3 (MANE Select); 16 bases into the intron before coding-DNA position 2907, G replaced by A.
Molecular consequence: intron variant.
Genome position (GRCh38, 1-based): chr1:201,062,106, C>T on the plus strand (G>A on the coding strand, the complement: CACNA1S is on the minus strand). VCF-style: chr1-201062106-C-T. GRCh37 (hg19) VCF-style: chr1-201031234-C-T.
Identifiers: ClinVar variation 681689 (VCV000681689.7), dbSNP rs756591873, ClinGen allele CA079388.
Genomic context (GRCh38, chr1:201,062,106, plus strand): 5'-TCTATCTGCATGGGGTCCCCGTCCTTGTACACGTAGTAGTAGCCCCTGTGGCAGGGAGGC[C>T]CAGTCACTCCACAGGGCATGGCTGGGCTGCCTTGCCCCACCCACATCCTCTGGGCCCTGG-3'